The following is an entry in ClinVar:

NM_015272.5(RPGRIP1L):c.2603A>G (p.Asp868Gly)

Gene: RPGRIP1L (RPGRIP1 like; minus strand). Cytogenetic location: 16q12.2.
Variant type: single nucleotide variant.
Coding change: c.2603A>G on transcript NM_015272.5 (MANE Select); coding-DNA position 2603, A replaced by G.
Protein change: p.Asp868Gly; replaces aspartic acid 868 with glycine.
Molecular consequence: missense variant.
Genome position (GRCh38, 1-based): chr16:53,645,705, T>C on the plus strand (A>G on the coding strand, the complement: RPGRIP1L is on the minus strand). VCF-style: chr16-53645705-T-C. GRCh37 (hg19) VCF-style: chr16-53679617-T-C.
Other names: c.2603A>G, p.Asp868Gly (NM_001127897.4, NM_001308334.3, NM_001330538.2); c.2603A>G (NM_015272.2, NM_015272.4); short protein forms D868G.
Identifiers: ClinVar variation 1376347 (VCV001376347.7), dbSNP rs1966497416, ClinGen allele CA395914243.

ClinVar aggregate classification (germline): Uncertain significance. Review status: criteria provided, multiple submitters, no conflicts (2 of 4 stars). 3 submissions from 3 submitters: Uncertain significance (3). Last evaluated 2025-10-08.

Conditions:
Inborn genetic diseases. Identifiers: MedGen C0950123, MeSH D030342.
Joubert syndrome. Also called: Familial aplasia of the vermis; JOUBERT-BOLTSHAUSER SYNDROME. Identifiers: Orphanet 475, MedGen C5979921, MONDO:0018772.
Meckel-Gruber syndrome. Also called: Dysencephalia splachnocystica; GRUBER SYNDROME; DYSENCEPHALIA SPLANCHNOCYSTICA. Identifiers: Orphanet 564, MedGen C0265215, MONDO:0018921.
RPGRIP1L-related disorder. Also called: RPGRIP1L-related condition; RPGRIP1L-related disorders. Identifiers: MedGen CN239416.

Allele frequency attached by ClinVar (database versions not stated): gnomAD exomes below 0.00001; TOPMed 0.00001.
gnomAD v4.1: 3 of 1,614,076 alleles (0.00019%); highest among the groups gnomAD compares: Non-Finnish European, 0.00025%; no homozygotes.

Submissions (3):

PreventionGenetics, part of Exact Sciences
Classification: Uncertain significance for RPGRIP1L-related condition. Last evaluated: 2025-10-08. Review status: criteria provided, single submitter. Criteria: ACMG Guidelines, 2015. Collection method: clinical testing. Allele origin: germline.
Comment: The RPGRIP1L c.2603A>G variant is predicted to result in the amino acid substitution p.Asp868Gly. To our knowledge, this variant has not been reported in the literature or in a large population database (gnomAD), indicating this variant is rare. At this time, the clinical significance of this variant is uncertain due to the absence of conclusive functional and genetic evidence.

Ambry Genetics
Classification: Uncertain significance for Inborn genetic diseases. Last evaluated: 2022-11-03. Review status: criteria provided, single submitter. Criteria: Ambry Variant Classification Scheme 2023. Collection method: clinical testing. Allele origin: germline.

Labcorp Genetics (formerly Invitae), Labcorp
Classification: Uncertain significance for Joubert syndrome; Meckel-Gruber syndrome. Last evaluated: 2021-09-24. Review status: criteria provided, single submitter. Criteria: Invitae Variant Classification Sherloc (09022015). Collection method: clinical testing. Allele origin: germline.
Comment: This sequence change replaces aspartic acid with glycine at codon 868 of the RPGRIP1L protein (p.Asp868Gly). The aspartic acid residue is highly conserved and there is a moderate physicochemical difference between aspartic acid and glycine. This variant is not present in population databases (ExAC no frequency). This variant has not been reported in the literature in individuals with RPGRIP1L-related conditions. Algorithms developed to predict the effect of missense changes on protein structure and function (SIFT, PolyPhen-2, Align-GVGD) all suggest that this variant is likely to be disruptive, but these predictions have not been confirmed by published functional studies and their clinical significance is uncertain. Algorithms developed to predict the effect of sequence changes on RNA splicing suggest that this variant may create or strengthen a splice site, but this prediction has not been confirmed by published transcriptional studies. In summary, the available evidence is currently insufficient to determine the role of this variant in disease. Therefore, it has been classified as a Variant of Uncertain Significance.